The following is an entry in ClinVar:

ClinVar aggregate classification (germline): Pathogenic (1 of 4 stars; one submission).

Conditions:
Inborn genetic diseases. Identifiers: MedGen C0950123, MeSH D030342.

Submission:

Ambry Genetics
Classification: Pathogenic for Inborn genetic diseases. Last evaluated: 2025-02-25. Review status: criteria provided, single submitter. Criteria: Ambry Variant Classification Scheme 2023. Collection method: clinical testing. Allele origin: germline.
Comment: The c.1050A>C (p.R350S) alteration is located in exon 8 (coding exon 8) of the TP63 gene. This alteration results from an A to C substitution at nucleotide position 1050, causing the arginine (R) at amino acid position 350 to be replaced by a serine (S). for TP63-related ectodermal dysplasia and multiple congenital anomalies; however, its clinical significance for TP63-related primary ovarian insufficiency is uncertain. This variant was not reported in population-based cohorts in the Genome Aggregation Database (gnomAD). Other variant(s) at the same codon, c.1049G>A (p.R350K), and other variant(s) resulting in the same amino acid change (c.1050A>T) have been identified in individual(s) with features consistent with TP63-related ectodermal dysplasia and multiple congenital anomalies (Jourdain, 2020; Ruscitti, 2025; Barbaro, 2016; external communication). This amino acid position is highly conserved in available vertebrate species. This missense alteration is located in a region that has a low rate of benign missense variation (Lek, 2016; Firth, 2009). This alteration is predicted to be deleterious by in silico analysis. Based on the available evidence, this alteration is classified as pathogenic.

Literature cited by the submitters: PubMed 27151912; PubMed 31502745; PubMed 39672801.

NM_003722.5(TP63):c.1050A>C (p.Arg350Ser)

Gene: TP63 (tumor protein p63; plus strand). Cytogenetic location: 3q28.
Variant type: single nucleotide variant.
Coding change: c.1050A>C on transcript NM_003722.5 (MANE Select); coding-DNA position 1050, A replaced by C.
Protein change: p.Arg350Ser; replaces arginine 350 with serine.
Molecular consequence: missense variant.
Genome position (GRCh38, 1-based): chr3:189,868,637, A>C. VCF-style: chr3-189868637-A-C. GRCh37 (hg19) VCF-style: chr3-189586426-A-C.
Other names: c.1050A>C, p.Arg350Ser (NM_001114978.2, NM_001114979.2, NM_001329144.2 and 1 more transcripts); c.768A>C, p.Arg256Ser (NM_001114980.2, NM_001114981.2, NM_001114982.2 and 2 more transcripts); c.513A>C, p.Arg171Ser (NM_001329146.2, NM_001329150.2); c.1044A>C, p.Arg348Ser (NM_001329964.2); short protein forms R171S, R256S, R350S, R348S.
Identifiers: ClinVar variation 3809728 (VCV003809728.1).